The following is an entry in ClinVar:

ClinVar aggregate classification (germline): Uncertain significance (1 of 4 stars; one submission).

gnomAD v4.1: 2 of 1,581,598 alleles (0.00013%); highest among the groups gnomAD compares: Non-Finnish European, 0.00017%; no homozygotes.

Submission:

GeneDx
Classification: Uncertain significance. Last evaluated: 2023-12-18. Review status: criteria provided, single submitter. Criteria: GeneDx Variant Classification Process June 2021. Collection method: clinical testing. Allele origin: germline. Affected: yes.
Comment: Not observed at significant frequency in large population cohorts (gnomAD); Has not been previously published as pathogenic or benign to our knowledge; In silico analysis is inconclusive as to whether the variant alters gene splicing. In the absence of RNA/functional studies, the actual effect of this sequence change is unknown.

NM_198578.4(LRRK2):c.6281-6T>C

Gene: LRRK2 (leucine rich repeat kinase 2; plus strand). Cytogenetic location: 12q12.
Variant type: single nucleotide variant.
Coding change: c.6281-6T>C on transcript NM_198578.4 (MANE Select); 6 bases into the intron before coding-DNA position 6281, T replaced by C.
Molecular consequence: intron variant.
Genome position (GRCh38, 1-based): chr12:40,348,403, T>C. VCF-style: chr12-40348403-T-C. GRCh37 (hg19) VCF-style: chr12-40742205-T-C.
Identifiers: ClinVar variation 3365588 (VCV003365588.1).